The following is an entry in ClinVar:

NM_001374828.1(ARID1B):c.1422C>G (p.Ser474Arg)

Gene: ARID1B (AT-rich interaction domain 1B; plus strand). Cytogenetic location: 6q25.3.
Variant type: single nucleotide variant.
Coding change: c.1422C>G on transcript NM_001374828.1 (MANE Select); coding-DNA position 1422, C replaced by G.
Protein change: p.Ser474Arg; replaces serine 474 with arginine.
Molecular consequence: missense variant.
Genome position (GRCh38, 1-based): chr6:156,779,102, C>G. VCF-style: chr6-156779102-C-G. GRCh37 (hg19) VCF-style: chr6-157100236-C-G.
Other names: c.1173C>G (NM_020732.3); c.1422C>G, p.Ser474Arg (NM_001371656.1, NM_001374820.1, NM_017519.3); short protein forms S474R.
Identifiers: ClinVar variation 1700266 (VCV001700266.3), dbSNP rs1440588207, ClinGen allele CA366384334.
Genomic context (GRCh38, chr6:156,779,102, plus strand): 5'-CCGGCAGCAGGGCGGCGGCATGATGATGGGCCCCGGGGGCGGCGGGGCCGCGAGCCTCAG[C>G]AAGGCGGCCGCCGGCTCGGCGGCGGGGGGCTTCCAGCGCTTCGCCGGCCAGAACCAGCAC-3'
Protein context (NP_001361757.1, residues 464-484): GPGGGGAASL[Ser474Arg]KAAAGSAAGG

ClinVar aggregate classification (germline): Likely benign (1 of 4 stars; one submission).

Submission:

GeneDx
Classification: Likely benign. Last evaluated: 2022-10-07. Review status: criteria provided, single submitter. Criteria: GeneDx Variant Classification Process June 2021. Collection method: clinical testing. Allele origin: germline. Affected: yes.
Comment: See Variant Classification Assertion Criteria.